The following is an entry in ClinVar:

ClinVar aggregate classification (germline): Benign/Likely benign. Review status: criteria provided, multiple submitters, no conflicts (2 of 4 stars). 2 submissions from 2 submitters: Benign (1); Likely benign (1). Last evaluated 2025-02-07.

Conditions:
Hereditary cancer-predisposing syndrome. Also called: Neoplastic Syndromes, Hereditary; Tumor predisposition; Hereditary Cancer Syndrome; Hereditary neoplastic syndrome. Identifiers: Orphanet 140162, MedGen C0027672, MeSH D009386, MONDO:0015356.
BAP1-related tumor predisposition syndrome (TPDS1). Also called: Tumor susceptibility linked to germline BAP1 mutations; COMMON Syndrome; BAP1 tumor predisposition syndrome; TUMOR PREDISPOSITION SYNDROME 1. Identifiers: Orphanet 289539, MedGen C3280492, MONDO:0013692, OMIM 614327.

gnomAD v4.1: 1 of 1,614,114 alleles (0.000062%); highest among the groups gnomAD compares: Non-Finnish European, 0.000085%; no homozygotes.

Submissions (2):

Ambry Genetics
Classification: Likely benign for Hereditary cancer-predisposing syndrome. Last evaluated: 2025-02-07. Review status: criteria provided, single submitter. Criteria: Ambry Variant Classification Scheme 2023. Collection method: clinical testing. Allele origin: germline.

Myriad Genetics, Inc.
Classification: Benign for BAP1-related tumor predisposition syndrome. Last evaluated: 2024-07-16. Review status: criteria provided, single submitter. Criteria: Myriad Autosomal Dominant, Autosomal Recessive and X-Linked Classification Criteria (2023). Collection method: clinical testing. Allele origin: unknown.
Comment: This variant is considered benign. This variant is a silent/synonymous amino acid change and it is not expected to impact splicing.

NM_004656.4(BAP1):c.1615C>T (p.Leu539=)

Gene: BAP1 (BRCA1 associated deubiquitinase 1; minus strand). Cytogenetic location: 3p21.1.
Variant type: single nucleotide variant.
Coding change: c.1615C>T on transcript NM_004656.4 (MANE Select); coding-DNA position 1615, C replaced by T.
Protein change: p.Leu539=; no amino-acid change (leucine 539 retained).
Molecular consequence: synonymous variant.
Genome position (GRCh38, 1-based): chr3:52,403,530, G>A on the plus strand (C>T on the coding strand, the complement: BAP1 is on the minus strand). VCF-style: chr3-52403530-G-A. GRCh37 (hg19) VCF-style: chr3-52437546-G-A.
Other names: c.1561C>T, p.Leu521= (NM_001410772.1).
Identifiers: ClinVar variation 3379096 (VCV003379096.2).